The following is an entry in ClinVar:

NM_015634.4(KIFBP):c.1817T>G (p.Leu606Arg)

Gene: KIFBP (kinesin family binding protein; plus strand). Cytogenetic location: 10q22.1.
Variant type: single nucleotide variant.
Coding change: c.1817T>G on transcript NM_015634.4 (MANE Select); coding-DNA position 1817, T replaced by G.
Protein change: p.Leu606Arg; replaces leucine 606 with arginine.
Molecular consequence: missense variant.
Genome position (GRCh38, 1-based): chr10:69,016,367, T>G. VCF-style: chr10-69016367-T-G. GRCh37 (hg19) VCF-style: chr10-70776123-T-G.
Other names: short protein forms L606R.
Identifiers: ClinVar variation 5007721 (VCV005007721.2).
Genomic context (GRCh38, chr10:69,016,367, plus strand): 5'-ATCCTGAGGCCGCCCAGGAAATAGAAGTTGAGCTAGAACTTAGTAAAGAGATGGTTAGTC[T>G]TCTCCCAACAAAAATGGAGAGATTCAGAACCAAGATGGCCCTGACTTAATCCTTGTTTTT-3'
Protein context (NP_056449.1, residues 596-616): ELELSKEMVS[Leu606Arg]LPTKMERFRT

ClinVar aggregate classification (germline): Uncertain significance (1 of 4 stars; one submission).

Conditions:
Goldberg-Shprintzen syndrome. Identifiers: Orphanet 66629, MedGen C1836123, MONDO:0012280, OMIM 609460.

Submission:

Juno Genomics, Hangzhou Juno Genomics, Inc
Classification: Uncertain significance for Goldberg-Shprintzen syndrome. Review status: criteria provided, single submitter. Criteria: ACMG Guidelines, 2015. Collection method: clinical testing. Allele origin: germline.
Comment: Absent from controls (or at extremely low frequency if recessive) in Genome Aggregation Database.;Multiple lines of computational evidence support a deleterious effect on the gene or gene product.